The following is an entry in ClinVar:

ClinVar aggregate classification (germline): Benign (0 of 4 stars; one submission).

Conditions:
MBD1-related disorder. Also called: MBD1-related condition.

Allele frequency attached by ClinVar (database versions not stated): 1000 Genomes Project 0.02077; 1000 Genomes Project 30x 0.02171; ExAC 0.02639; TOPMed 0.03807.
gnomAD v4.1: 88,762 of 1,533,968 alleles (5.8%); highest among the groups gnomAD compares: Non-Finnish European, 6.6%; 3,092 homozygotes.

Submission:

PreventionGenetics, part of Exact Sciences
Classification: Benign for MBD1-related condition. Last evaluated: 2019-03-20. Review status: no assertion criteria provided. Collection method: clinical testing. Allele origin: germline.
Comment: This variant is classified as benign based on ACMG/AMP sequence variant interpretation guidelines (Richards et al. 2015 PMID: 25741868, with internal and published modifications).

NM_001204141.2(MBD1):c.1689C>T (p.Ser563=)

Gene: MBD1 (methyl-CpG binding domain protein 1; minus strand). Cytogenetic location: 18q21.1.
Variant type: single nucleotide variant.
Coding change: c.1689C>T on transcript NM_001204141.2; coding-DNA position 1689, C replaced by T.
Protein change: p.Ser563=; no amino-acid change (serine 563 retained).
Molecular consequence: synonymous variant. On other transcripts: 3 prime UTR variant (2).
Genome position (GRCh38, 1-based): chr18:50,267,603, G>A on the plus strand (C>T on the coding strand, the complement: MBD1 is on the minus strand). VCF-style: chr18-50267603-G-A. GRCh37 (hg19) VCF-style: chr18-47793973-G-A.
Other names: c.*93C>T (NM_001204139.2, NM_001399900.1); c.1794C>T, p.Ser598= (NM_001323951.2); c.1125C>T, p.Ser375= (NM_001323953.2); c.1746C>T, p.Ser582= (NM_001388139.1); c.1914C>T, p.Ser638= (NM_001388147.1); c.1776C>T, p.Ser592= (NM_001388158.1); c.1701C>T, p.Ser567= (NM_001388162.1); c.1626C>T, p.Ser542= (NM_001388165.1); and 13 more.
Identifiers: ClinVar variation 3056934 (VCV003056934.2), dbSNP rs34500680, ClinGen allele CA8962579.